The following is an entry in ClinVar:

ClinVar aggregate classification (germline): Uncertain significance (1 of 4 stars; one submission).

Conditions:
Frontotemporal dementia and/or amyotrophic lateral sclerosis 1 (FTDALS1). Also called: Frontotemporal dementia with motor neuron disease 1; C9orf72 Frontotemporal Dementia and/or Amyotrophic Lateral Sclerosis. Identifiers: Orphanet 275872, MedGen C5779877, MONDO:0007105, OMIM 105550.
Paget disease of bone 2, early-onset (PDB2). Also called: Paget disease of bone 2. Identifiers: MedGen C4085251, MONDO:0011183, OMIM 602080.

Submission:

Labcorp Genetics (formerly Invitae), Labcorp
Classification: Uncertain significance for Paget disease of bone 2, early-onset; Frontotemporal dementia and/or amyotrophic lateral sclerosis 1. Last evaluated: 2024-08-23. Review status: criteria provided, single submitter. Criteria: Invitae Variant Classification Sherloc (09022015). Collection method: clinical testing. Allele origin: germline.
Comment: This sequence change replaces arginine, which is basic and polar, with lysine, which is basic and polar, at codon 312 of the SQSTM1 protein (p.Arg312Lys). The frequency data for this variant in the population databases is considered unreliable, as metrics indicate poor data quality at this position in the gnomAD database. This variant has not been reported in the literature in individuals affected with SQSTM1-related conditions. An algorithm developed to predict the effect of missense changes on protein structure and function (PolyPhen-2) suggests that this variant is likely to be tolerated. In summary, the available evidence is currently insufficient to determine the role of this variant in disease. Therefore, it has been classified as a Variant of Uncertain Significance.

NM_003900.5(SQSTM1):c.935_936delinsAA (p.Arg312Lys)

Gene: SQSTM1 (sequestosome 1; plus strand). Cytogenetic location: 5q35.3.
Variant type: Indel.
Coding change: c.935_936delinsAA on transcript NM_003900.5 (MANE Select); coding-DNA positions 935 to 936, GG replaced by AA.
Protein change: p.Arg312Lys; replaces arginine 312 with lysine.
Molecular consequence: missense variant.
Genome position (GRCh38, 1-based): chr5:179,833,212-179,833,213, GG replaced by AA. VCF-style: chr5-179833212-GG-AA. GRCh37 (hg19) VCF-style: chr5-179260212-GG-AA.
Other names: c.683_684delinsAA, p.Arg228Lys (NM_001142298.2, NM_001142299.2); short protein forms R228K, R312K.
Identifiers: ClinVar variation 3752288 (VCV003752288.2).